The following is an entry in ClinVar:

ClinVar aggregate classification (germline): Likely benign (0 of 4 stars; one submission).

Conditions:
MYO5B-related disorder. Also called: MYO5B-related condition.

Allele frequency attached by ClinVar (database versions not stated): TOPMed below 0.00001.

Submission:

PreventionGenetics, part of Exact Sciences
Classification: Likely benign for MYO5B-related condition. Last evaluated: 2023-03-15. Review status: no assertion criteria provided. Collection method: clinical testing. Allele origin: germline.
Comment: This variant is classified as likely benign based on ACMG/AMP sequence variant interpretation guidelines (Richards et al. 2015 PMID: 25741868, with internal and published modifications).

NM_001080467.3(MYO5B):c.2982G>A (p.Arg994=)

Gene: MYO5B (myosin VB; minus strand). Cytogenetic location: 18q21.1.
Variant type: single nucleotide variant.
Coding change: c.2982G>A on transcript NM_001080467.3 (MANE Select); coding-DNA position 2982, G replaced by A.
Protein change: p.Arg994=; no amino-acid change (arginine 994 retained).
Molecular consequence: synonymous variant.
Genome position (GRCh38, 1-based): chr18:49,895,004, C>T on the plus strand (G>A on the coding strand, the complement: MYO5B is on the minus strand). VCF-style: chr18-49895004-C-T. GRCh37 (hg19) VCF-style: chr18-47421374-C-T.
Identifiers: ClinVar variation 3048639 (VCV003048639.2), dbSNP rs1184060148, ClinGen allele CA503991600.